The following is an entry in ClinVar:

NM_000883.4(IMPDH1):c.704T>C (p.Met235Thr)

Gene: IMPDH1 (inosine monophosphate dehydrogenase 1; minus strand). Cytogenetic location: 7q32.1.
Variant type: single nucleotide variant.
Coding change: c.704T>C on transcript NM_000883.4 (MANE Select); coding-DNA position 704, T replaced by C.
Protein change: p.Met235Thr; replaces methionine 235 with threonine.
Molecular consequence: missense variant.
Genome position (GRCh38, 1-based): chr7:128,400,415, A>G on the plus strand (T>C on the coding strand, the complement: IMPDH1 is on the minus strand). VCF-style: chr7-128400415-A-G. GRCh37 (hg19) VCF-style: chr7-128040469-A-G.
Other names: c.674T>C, p.Met225Thr (NM_001102605.2); c.449T>C, p.Met150Thr (NM_001142573.2); c.434T>C, p.Met145Thr (NM_001142574.2); c.374T>C, p.Met125Thr (NM_001142575.2); c.605T>C, p.Met202Thr (NM_001142576.2); c.497T>C, p.Met166Thr (NM_001304521.2); c.596T>C, p.Met199Thr (NM_183243.3); short protein forms M150T, M199T, M145T, M235T, M166T, M125T, M202T, M225T.
Identifiers: ClinVar variation 2894247 (VCV002894247.3), dbSNP rs879398197, ClinGen allele CA166128572.
Genomic context (GRCh38, chr7:128,400,415, plus strand): 5'-TCCTTCTCAGCAAGAAAGTCGATGTCTCGGGAGGTGACGATGCCCACCAGCTTGCTGCCC[A>G]TGGTGCCCGTCTCAGTGATGGGGATGCCAGAGAAGCCATGCCGCATCTTGGCCTCCAGCA-3'
Protein context (NP_000874.2, residues 225-245): SGIPITETGT[Met235Thr]GSKLVGIVTS

ClinVar aggregate classification (germline): Uncertain significance (1 of 4 stars; one submission).

Allele frequency attached by ClinVar (database versions not stated): gnomAD exomes below 0.00001.
gnomAD v4.1: 1 of 1,612,402 alleles (0.000062%); highest among the groups gnomAD compares: Non-Finnish European, 0.000085%; no homozygotes.

Submission:

Labcorp Genetics (formerly Invitae), Labcorp
Classification: Uncertain significance. Last evaluated: 2023-05-17. Review status: criteria provided, single submitter. Criteria: Invitae Variant Classification Sherloc (09022015). Collection method: clinical testing. Allele origin: germline.
Comment: In summary, the available evidence is currently insufficient to determine the role of this variant in disease. Therefore, it has been classified as a Variant of Uncertain Significance. An algorithm developed to predict the effect of missense changes on protein structure and function (PolyPhen-2) suggests that this variant is likely to be tolerated. This variant has not been reported in the literature in individuals affected with IMPDH1-related conditions. This variant is not present in population databases (gnomAD no frequency). This sequence change replaces methionine, which is neutral and non-polar, with threonine, which is neutral and polar, at codon 235 of the IMPDH1 protein (p.Met235Thr).